The following is an entry in ClinVar:

NM_000091.5(COL4A3):c.3337+6G>C

Genes: COL4A3 (collagen type IV alpha 3 chain; plus strand), MFF-DT (MFF divergent transcript; minus strand). Cytogenetic location: 2q36.3.
Variant type: single nucleotide variant.
Coding change: c.3337+6G>C on transcript NM_000091.5 (MANE Select); 6 bases into the intron after coding-DNA position 3337, G replaced by C.
Molecular consequence: intron variant.
Genome position (GRCh38, 1-based): chr2:227,293,323, G>C. VCF-style: chr2-227293323-G-C. GRCh37 (hg19) VCF-style: chr2-228158039-G-C.
Identifiers: ClinVar variation 681343 (VCV000681343.5), dbSNP rs1008678288, ClinGen allele CA66608206.

ClinVar aggregate classification (germline): Conflicting classifications of pathogenicity. Review status: criteria provided, conflicting classifications (1 of 4 stars). 2 submissions from 2 submitters: Uncertain significance (1); Likely benign (1). Last evaluated 2024-12-09.

Allele frequency attached by ClinVar (database versions not stated): gnomAD exomes 0.00001; gnomAD 0.00003; TOPMed 0.00003.
gnomAD v4.1: 20 of 1,613,614 alleles (0.0012%); highest among the groups gnomAD compares: South Asian, 0.0055%; no homozygotes.

Submissions (2):

Labcorp Genetics (formerly Invitae), Labcorp
Classification: Uncertain significance. Last evaluated: 2024-12-09. Review status: criteria provided, single submitter. Criteria: Invitae Variant Classification Sherloc (09022015). Collection method: clinical testing. Allele origin: germline.
Comment: This sequence change falls in intron 38 of the COL4A3 gene. It does not directly change the encoded amino acid sequence of the COL4A3 protein. It affects a nucleotide within the consensus splice site. This variant is present in population databases (no rsID available, gnomAD 0.003%). This variant has not been reported in the literature in individuals affected with COL4A3-related conditions. ClinVar contains an entry for this variant (Variation ID: 681343). Variants that disrupt the consensus splice site are a relatively common cause of aberrant splicing (PMID: 17576681, 9536098). Algorithms developed to predict the effect of sequence changes on RNA splicing suggest that this variant is not likely to affect RNA splicing. In summary, the available evidence is currently insufficient to determine the role of this variant in disease. Therefore, it has been classified as a Variant of Uncertain Significance.

GeneDx
Classification: Likely benign. Last evaluated: 2018-04-10. Review status: criteria provided, single submitter. Criteria: GeneDx Variant Classification (06012015). Collection method: clinical testing. Allele origin: germline. Affected: yes.
Comment: This variant is considered likely benign or benign based on one or more of the following criteria: it is a conservative change, it occurs at a poorly conserved position in the protein, it is predicted to be benign by multiple in silico algorithms, and/or has population frequency not consistent with disease.

Literature cited by the submitters: PubMed 17576681 (cited by Labcorp Genetics (formerly Invitae), Labcorp); PubMed 9536098 (cited by Labcorp Genetics (formerly Invitae), Labcorp).